The following is an entry in ClinVar:

NM_153638.4(PANK2):c.30C>T (p.Arg10=)

Genes: PANK2 (pantothenate kinase 2; plus strand), PANK2-AS1 (PANK2 antisense RNA 1; minus strand). Cytogenetic location: 20p13.
Variant type: single nucleotide variant.
Coding change: c.30C>T on transcript NM_153638.4; coding-DNA position 30, C replaced by T.
Protein change: p.Arg10=; no amino-acid change (arginine 10 retained).
Molecular consequence: synonymous variant. On other transcripts: intron variant (1).
Genome position (GRCh38, 1-based): chr20:3,889,130, C>T. VCF-style: chr20-3889130-C-T. GRCh37 (hg19) VCF-style: chr20-3869777-C-T.
Other names: c.30C>T, p.Arg10= (NM_001324192.1); c.-246+226C>T (NM_024960.6).
Identifiers: ClinVar variation 2152872 (VCV002152872.6), dbSNP rs541722188, ClinGen allele CA9750456.

ClinVar aggregate classification (germline): Likely benign. Review status: criteria provided, multiple submitters, no conflicts (2 of 4 stars). 3 submissions from 3 submitters: Likely benign (2). 1 of the submissions does not count toward it. Last evaluated 2025-02-06.

Conditions:
PANK2-related disorder. Also called: PANK2-related condition.
Pigmentary pallidal degeneration (NBIA1). Also called: Neurodegeneration with brain iron accumulation 1; HARP SYNDROME; PKAN NEUROAXONAL DYSTROPHY, JUVENILE-ONSET; Pantothenate Kinase-Associated Neurodegeneration; Neuroaxonal dystrophy, late infantile; Hallervorden-Spatz disease. Identifiers: Orphanet 157850, MedGen C0018523, MONDO:0009319, OMIM 234200.

Allele frequency attached by ClinVar (database versions not stated): TOPMed 0.00002; 1000 Genomes Project 0.00020; gnomAD 0.00003; ExAC 0.00011; 1000 Genomes Project 30x 0.00031; gnomAD exomes 0.00003.
gnomAD v4.1: 44 of 1,557,660 alleles (0.0028%); highest among the groups gnomAD compares: Middle Eastern, 0.017%; 1 homozygote.

Submissions (3):

Labcorp Genetics (formerly Invitae), Labcorp
Classification: Likely benign for Pigmentary pallidal degeneration. Last evaluated: 2025-02-06. Review status: criteria provided, single submitter. Criteria: Invitae Variant Classification Sherloc (09022015). Collection method: clinical testing. Allele origin: germline.

Blueprint Genetics
Classification: Likely benign. Last evaluated: 2023-08-02. Review status: criteria provided, single submitter. Criteria: ACMG Guidelines, 2015. Collection method: clinical testing. Allele origin: germline.

PreventionGenetics, part of Exact Sciences
Classification: Likely benign for PANK2-related condition. Last evaluated: 2019-03-22. Review status: no assertion criteria provided. Collection method: clinical testing. Allele origin: germline. Not counted in ClinVar's aggregate classification.
Comment: This variant is classified as likely benign based on ACMG/AMP sequence variant interpretation guidelines (Richards et al. 2015 PMID: 25741868, with internal and published modifications).